The following is an entry in ClinVar:

NM_032776.3(JMJD1C):c.56T>A (p.Val19Asp)

Genes: JMJD1C (jumonji domain containing 1C; minus strand), JMJD1C-AS1 (JMJD1C antisense RNA 1; plus strand). Cytogenetic location: 10q21.3.
Variant type: single nucleotide variant.
Coding change: c.56T>A on transcript NM_032776.3 (MANE Select); coding-DNA position 56, T replaced by A.
Protein change: p.Val19Asp; replaces valine 19 with aspartic acid.
Molecular consequence: missense variant. On other transcripts: non-coding transcript variant (1), intron variant (2).
Genome position (GRCh38, 1-based): chr10:63,465,607, A>T on the plus strand (T>A on the coding strand, the complement: JMJD1C is on the minus strand). VCF-style: chr10-63465607-A-T. GRCh37 (hg19) VCF-style: chr10-65225367-A-T.
Other names: c.56T>A, p.Val19Asp (NM_001322252.2); c.-384+56131T>A (NM_001322258.2); c.-379+56131T>A (NM_001318154.2); short protein forms V19D.
Identifiers: ClinVar variation 460261 (VCV000460261.15), dbSNP rs201112543, ClinGen allele CA5519235.

ClinVar aggregate classification (germline): Likely benign. Review status: criteria provided, multiple submitters, no conflicts (2 of 4 stars). 3 submissions from 3 submitters: Likely benign (2). 1 of the submissions does not count toward it. Last evaluated 2026-01-15.

Conditions:
JMJD1C-related disorder. Also called: JMJD1C-related condition.
Early Myoclonic Encephalopathy. Identifiers: MedGen C0270855.

Allele frequency attached by ClinVar (database versions not stated): ExAC 0.00072; ESP Exome Variant Server 0.00226; gnomAD exomes 0.00023 and 0.00058; gnomAD 0.00232 and 0.00245; 1000 Genomes Project 30x 0.00390; TOPMed 0.00255; 1000 Genomes Project 0.00399.
gnomAD v4.1: 701 of 1,609,330 alleles (0.044%); highest among the groups gnomAD compares: African/African-American, 0.85%; 4 homozygotes.

Submissions (3):

Labcorp Genetics (formerly Invitae), Labcorp
Classification: Likely benign for Early Myoclonic Encephalopathy. Last evaluated: 2026-01-15. Review status: criteria provided, single submitter. Criteria: Invitae Variant Classification Sherloc (09022015). Collection method: clinical testing. Allele origin: germline.

Breakthrough Genomics
Classification: Likely benign. Review status: criteria provided, single submitter. Criteria: ACMG Guidelines, 2015. Collection method: not provided. Allele origin: germline. Inheritance: Unknown mechanism. Affected: yes.

PreventionGenetics, part of Exact Sciences
Classification: Benign for JMJD1C-related condition. Last evaluated: 2019-06-17. Review status: no assertion criteria provided. Collection method: clinical testing. Allele origin: germline. Not counted in ClinVar's aggregate classification.
Comment: This variant is classified as benign based on ACMG/AMP sequence variant interpretation guidelines (Richards et al. 2015 PMID: 25741868, with internal and published modifications).